The following is an entry in ClinVar:

NM_017636.4(TRPM4):c.3584G>C (p.Arg1195Pro)

Gene: TRPM4 (transient receptor potential cation channel subfamily M member 4; plus strand). Cytogenetic location: 19q13.33.
Variant type: single nucleotide variant.
Coding change: c.3584G>C on transcript NM_017636.4 (MANE Select); coding-DNA position 3584, G replaced by C.
Protein change: p.Arg1195Pro; replaces arginine 1195 with proline.
Molecular consequence: missense variant.
Genome position (GRCh38, 1-based): chr19:49,211,213, G>C. VCF-style: chr19-49211213-G-C. GRCh37 (hg19) VCF-style: chr19-49714470-G-C.
Other names: c.3149G>C, p.Arg1050Pro (NM_001195227.2); c.3239G>C, p.Arg1080Pro (NM_001321281.2); c.1976G>C, p.Arg659Pro (NM_001321282.2); c.3062G>C, p.Arg1021Pro (NM_001321283.2); c.2522G>C, p.Arg841Pro (NM_001321285.2); short protein forms R1021P, R841P, R1080P, R1050P, R1195P, R659P.
Identifiers: ClinVar variation 1732926 (VCV001732926.3), dbSNP rs1295618759, ClinGen allele CA406773720.
Genomic context (GRCh38, chr19:49,211,213, plus strand): 5'-CCATTCCGCAGGTCCAGCAGTGTAGCCGCGTCCTGGGGTGGGTGGCCGAGGCCCTGAGCC[G>C]CTCTGCCTTGCTGCCCCCAGGTGGGCCGCCACCCCCTGACCTGCCTGGGTCCAAAGGTCA-3'
Protein context (NP_060106.2, residues 1185-1205): VLGWVAEALS[Arg1195Pro]SALLPPGGPP

ClinVar aggregate classification (germline): Uncertain significance. Review status: criteria provided, multiple submitters, no conflicts (2 of 4 stars). 2 submissions from 2 submitters: Uncertain significance (2). Last evaluated 2026-05-11.

Conditions:
Cardiovascular phenotype. Identifiers: MedGen CN230736.
TRPM4-related disorder. Also called: TRPM4-related condition; TRPM4-related disorders. Identifiers: MedGen CN239424.

Allele frequency attached by ClinVar (database versions not stated): gnomAD 0.00001.
gnomAD v4.1: 2 of 1,598,162 alleles (0.00013%); highest among the groups gnomAD compares: African/African-American, 0.0013%; no homozygotes.

Submissions (2):

PreventionGenetics, part of Exact Sciences
Classification: Uncertain significance for TRPM4-related condition. Last evaluated: 2026-05-11. Review status: criteria provided, single submitter. Criteria: ACMG Guidelines, 2015. Collection method: clinical testing. Allele origin: germline.
Comment: The TRPM4 c.3584G>C variant is predicted to result in the amino acid substitution p.Arg1195Pro. To our knowledge, this variant has not been reported in the literature or in a large population database (gnomAD), indicating this variant is rare. At this time, the clinical significance of this variant is uncertain due to the absence of conclusive functional and genetic evidence.

Ambry Genetics
Classification: Uncertain significance for Cardiovascular phenotype. Last evaluated: 2019-10-21. Review status: criteria provided, single submitter. Criteria: Ambry Variant Classification Scheme 2023. Collection method: clinical testing. Allele origin: germline.
Comment: The p.R1195P variant (also known as c.3584G>C), located in coding exon 24 of the TRPM4 gene, results from a G to C substitution at nucleotide position 3584. The arginine at codon 1195 is replaced by proline, an amino acid with dissimilar properties. This amino acid position is not well conserved in available vertebrate species, and proline is the reference amino acid in other vertebrate species. In addition, this alteration is predicted to be tolerated by in silico analysis. Since supporting evidence is limited at this time, the clinical significance of this alteration remains unclear.